The following is an entry in ClinVar:

ClinVar aggregate classification (germline): Uncertain significance. Review status: criteria provided, multiple submitters, no conflicts (2 of 4 stars). 2 submissions from 2 submitters: Uncertain significance (2). Last evaluated 2022-08-11.

Conditions:
Immunodeficiency 67. Also called: Immunodeficiency due to interleukin-1 receptor-associated kinase-4 deficiency. Identifiers: Orphanet 70592, MedGen C1843256, MONDO:0011888, OMIM 607676.

Allele frequency attached by ClinVar (database versions not stated): ExAC 0.00003; gnomAD 0.00004; gnomAD exomes 0.00005; TOPMed 0.00006; ESP Exome Variant Server 0.00008.
gnomAD v4.1: 128 of 1,613,348 alleles (0.0079%); highest among the groups gnomAD compares: South Asian, 0.0099%; no homozygotes.

Submissions (2):

Blueprint Genetics
Classification: Uncertain significance. Last evaluated: 2022-08-11. Review status: criteria provided, single submitter. Criteria: ACMG Guidelines, 2015. Collection method: clinical testing. Allele origin: germline.

Labcorp Genetics (formerly Invitae), Labcorp
Classification: Uncertain significance for Immunodeficiency 67. Last evaluated: 2022-05-10. Review status: criteria provided, single submitter. Criteria: Invitae Variant Classification Sherloc (09022015). Collection method: clinical testing. Allele origin: germline.
Comment: This sequence change replaces arginine, which is basic and polar, with histidine, which is basic and polar, at codon 12 of the IRAK4 protein (p.Arg12His). This variant is present in population databases (rs370524518, gnomAD 0.007%). This variant has not been reported in the literature in individuals affected with IRAK4-related conditions. ClinVar contains an entry for this variant (Variation ID: 638849). Advanced modeling of protein sequence and biophysical properties (such as structural, functional, and spatial information, amino acid conservation, physicochemical variation, residue mobility, and thermodynamic stability) performed at Invitae indicates that this missense variant is expected to disrupt IRAK4 protein function. In summary, the available evidence is currently insufficient to determine the role of this variant in disease. Therefore, it has been classified as a Variant of Uncertain Significance.

NM_016123.4(IRAK4):c.35G>A (p.Arg12His)

Gene: IRAK4 (interleukin 1 receptor associated kinase 4; plus strand). Cytogenetic location: 12q12.
Variant type: single nucleotide variant.
Coding change: c.35G>A on transcript NM_016123.4 (MANE Select); coding-DNA position 35, G replaced by A.
Protein change: p.Arg12His; replaces arginine 12 with histidine.
Molecular consequence: missense variant. On other transcripts: 5 prime UTR variant (8), intron variant (2).
Genome position (GRCh38, 1-based): chr12:43,768,146, G>A. VCF-style: chr12-43768146-G-A. GRCh37 (hg19) VCF-style: chr12-44161949-G-A.
Other names: c.35G>A, p.Arg12His (NM_001114182.3, NM_001351345.2); c.-192G>A (NM_001145256.2, NM_001145257.2, NM_001351338.2); c.-405G>A (NM_001351339.2, NM_001351340.2, NM_001351341.2); c.-343G>A (NM_001351343.2, NM_001351344.2); c.-278-2892G>A (NM_001351342.2); c.-65-4034G>A (NM_001145258.2); short protein forms R12H.
Identifiers: ClinVar variation 638849 (VCV000638849.7), dbSNP rs370524518, ClinGen allele CA6522264.